The following is an entry in ClinVar:

ClinVar aggregate classification (germline): Likely benign (0 of 4 stars; one submission).

Conditions:
NCOA1-related disorder. Also called: NCOA1-related condition.

gnomAD v4.1: 25 of 1,613,956 alleles (0.0015%); highest among the groups gnomAD compares: Non-Finnish European, 0.002%; no homozygotes.

Submission:

PreventionGenetics, part of Exact Sciences
Classification: Likely benign for NCOA1-related condition. Last evaluated: 2021-02-03. Review status: no assertion criteria provided. Collection method: clinical testing. Allele origin: germline.
Comment: This variant is classified as likely benign based on ACMG/AMP sequence variant interpretation guidelines (Richards et al. 2015 PMID: 25741868, with internal and published modifications).

NM_003743.5(NCOA1):c.723A>G (p.Ser241=)

Gene: NCOA1 (nuclear receptor coactivator 1; plus strand). Cytogenetic location: 2p23.3.
Variant type: single nucleotide variant.
Coding change: c.723A>G on transcript NM_003743.5 (MANE Select); coding-DNA position 723, A replaced by G.
Protein change: p.Ser241=; no amino-acid change (serine 241 retained).
Molecular consequence: synonymous variant.
Genome position (GRCh38, 1-based): chr2:24,693,262, A>G. VCF-style: chr2-24693262-A-G. GRCh37 (hg19) VCF-style: chr2-24916131-A-G.
Other names: c.723A>G, p.Ser241= (NM_001362950.1, NM_001362952.1, NM_001362954.1 and 3 more transcripts).
Identifiers: ClinVar variation 3358138 (VCV003358138.1).